The following is an entry in ClinVar:

ClinVar aggregate classification (germline): Uncertain significance (1 of 4 stars; one submission).

Conditions:
2-aminoadipic 2-oxoadipic aciduria (AAKAD). Also called: Aminoadipic aciduria; ALPHA-AMINOADIPIC AND ALPHA-KETOADIPIC ACIDURIA. Identifiers: Orphanet 79154, MedGen C1859817, MONDO:0008774, OMIM 204750.

gnomAD v4.1: 11 of 1,478,772 alleles (0.00074%); highest among the groups gnomAD compares: Non-Finnish European, 0.001%; no homozygotes.

Submission:

Labcorp Genetics (formerly Invitae), Labcorp
Classification: Uncertain significance for 2-aminoadipic 2-oxoadipic aciduria. Last evaluated: 2026-01-19. Review status: criteria provided, single submitter. Criteria: Invitae Variant Classification Sherloc (09022015). Collection method: clinical testing. Allele origin: germline.
Comment: This sequence change replaces leucine, which is neutral and non-polar, with histidine, which is basic and polar, at codon 583 of the DHTKD1 protein (p.Leu583His). This variant is not present in population databases (gnomAD no frequency). This variant has not been reported in the literature in individuals affected with DHTKD1-related conditions. Invitae Evidence Modeling of protein sequence and biophysical properties (such as structural, functional, and spatial information, amino acid conservation, physicochemical variation, residue mobility, and thermodynamic stability) indicates that this missense variant is expected to disrupt DHTKD1 protein function with a positive predictive value of 80%. In summary, the available evidence is currently insufficient to determine the role of this variant in disease. Therefore, it has been classified as a Variant of Uncertain Significance.

NM_018706.7(DHTKD1):c.1748T>A (p.Leu583His)

Gene: DHTKD1 (dehydrogenase E1 and transketolase domain containing 1; plus strand). Cytogenetic location: 10p14.
Variant type: single nucleotide variant.
Coding change: c.1748T>A on transcript NM_018706.7 (MANE Select); coding-DNA position 1748, T replaced by A.
Protein change: p.Leu583His; replaces leucine 583 with histidine.
Molecular consequence: missense variant.
Genome position (GRCh38, 1-based): chr10:12,100,254, T>A. VCF-style: chr10-12100254-T-A. GRCh37 (hg19) VCF-style: chr10-12142253-T-A.
Other names: short protein forms L583H.
Identifiers: ClinVar variation 4742670 (VCV004742670.1).